The following is an entry in ClinVar:

ClinVar aggregate classification (germline): Uncertain significance (1 of 4 stars; one submission).

Conditions:
Spastic paraplegia. Identifiers: MedGen C0037772, HP:0001258.

Allele frequency attached by ClinVar (database versions not stated): gnomAD exomes below 0.00001; TOPMed 0.00001.
gnomAD v4.1: 2 of 1,613,900 alleles (0.00012%); highest among the groups gnomAD compares: Non-Finnish European, 0.000085%; no homozygotes.

Submission:

Labcorp Genetics (formerly Invitae), Labcorp
Classification: Uncertain significance for Spastic paraplegia. Last evaluated: 2023-11-28. Review status: criteria provided, single submitter. Criteria: Invitae Variant Classification Sherloc (09022015). Collection method: clinical testing. Allele origin: germline.
Comment: This sequence change falls in intron 9 of the KIF5A gene. It does not directly change the encoded amino acid sequence of the KIF5A protein. It affects a nucleotide within the consensus splice site. This variant is not present in population databases (gnomAD no frequency). This variant has not been reported in the literature in individuals affected with KIF5A-related conditions. ClinVar contains an entry for this variant (Variation ID: 2126523). Variants that disrupt the consensus splice site are a relatively common cause of aberrant splicing (PMID: 17576681, 9536098). Algorithms developed to predict the effect of sequence changes on RNA splicing suggest that this variant is not likely to affect RNA splicing. In summary, the available evidence is currently insufficient to determine the role of this variant in disease. Therefore, it has been classified as a Variant of Uncertain Significance.

Literature cited by the submitters: PubMed 17576681; PubMed 9536098.

NM_004984.4(KIF5A):c.820-3C>T

Gene: KIF5A (kinesin family member 5A; plus strand). Cytogenetic location: 12q13.3.
Variant type: single nucleotide variant.
Coding change: c.820-3C>T on transcript NM_004984.4 (MANE Select); 3 bases into the intron before coding-DNA position 820, C replaced by T.
Molecular consequence: intron variant.
Genome position (GRCh38, 1-based): chr12:57,569,253, C>T. VCF-style: chr12-57569253-C-T. GRCh37 (hg19) VCF-style: chr12-57963036-C-T.
Other names: c.553-3C>T (NM_001354705.2).
Identifiers: ClinVar variation 2126523 (VCV002126523.4), dbSNP rs1882167753, ClinGen allele CA2038925685.
Genomic context (GRCh38, chr12:57,569,253, plus strand): 5'-TTTCTGATTCCCTGTTGAATTTTATTTGTTTATTTCTGATTCCTGGTCTCCTTCCTCCCC[C>T]AGAAAAGCTATGTTCCATATCGTGACAGCAAAATGACAAGGATTCTCCAGGACTCTCTCG-3'